The following is an entry in ClinVar:

NM_000414.4(HSD17B4):c.353T>C (p.Ile118Thr)

Gene: HSD17B4 (hydroxysteroid 17-beta dehydrogenase 4; plus strand). Cytogenetic location: 5q23.1.
Variant type: single nucleotide variant.
Coding change: c.353T>C on transcript NM_000414.4 (MANE Select); coding-DNA position 353, T replaced by C.
Protein change: p.Ile118Thr; replaces isoleucine 118 with threonine.
Molecular consequence: missense variant. On other transcripts: 5 prime UTR variant (5), non-coding transcript variant (2).
Genome position (GRCh38, 1-based): chr5:119,477,420, T>C. VCF-style: chr5-119477420-T-C. GRCh37 (hg19) VCF-style: chr5-118813115-T-C.
Other names: c.428T>C, p.Ile143Thr (NM_001199291.3); c.299T>C, p.Ile100Thr (NM_001199292.2); c.281T>C, p.Ile94Thr (NM_001292027.2); c.-59T>C (NM_001292028.2, NM_001374501.1, NM_001374502.1 and 1 more transcripts); c.353T>C, p.Ile118Thr (NM_001374497.1, NM_001374498.1); c.26T>C, p.Ile9Thr (NM_001374499.1); c.-186T>C (NM_001374500.1); short protein forms I100T, I118T, I94T, I9T, I143T.
Identifiers: ClinVar variation 1480605 (VCV001480605.3), dbSNP rs139427751, ClinGen allele CA3381810.
Genomic context (GRCh38, chr5:119,477,420, plus strand): 5'-TCTTAGACATGCCTAAGTTTTTACAAAATATTTAATAAAAATAATTTATTGTTTTAGATA[T>C]AATCCACAGAGTTCATTTGCGGGGTTCATTCCAAGTGACACGGGCAGCATGGGAACACAT-3'
Protein context (NP_000405.1, residues 108-128): FARISDEDWD[Ile118Thr]IHRVHLRGSF

ClinVar aggregate classification (germline): Uncertain significance (1 of 4 stars; one submission).

Conditions:
Perrault syndrome. Also called: Gonadal dysgenesis with auditory dysfunction, autosomal recessive inheritance. Identifiers: Orphanet 2855, MedGen C0685838, MONDO:0017312.
Bifunctional peroxisomal enzyme deficiency (DBIF). Also called: PBFE DEFICIENCY; D-bifunctional protein deficiency; DBP DEFICIENCY. Identifiers: Orphanet 300, MedGen C0342870, MONDO:0009855, OMIM 261515. Disease mechanism: loss of function.

Allele frequency attached by ClinVar (database versions not stated): gnomAD exomes below 0.00001 and 0.00001; ExAC 0.00002; gnomAD 0.00002; TOPMed 0.00002; ESP Exome Variant Server 0.00008.
gnomAD v4.1: 4 of 1,600,726 alleles (0.00025%); highest among the groups gnomAD compares: African/African-American, 0.0054%; no homozygotes.

Submission:

Labcorp Genetics (formerly Invitae), Labcorp
Classification: Uncertain significance for Perrault syndrome; Bifunctional peroxisomal enzyme deficiency. Last evaluated: 2021-11-29. Review status: criteria provided, single submitter. Criteria: Invitae Variant Classification Sherloc (09022015). Collection method: clinical testing. Allele origin: germline.
Comment: This sequence change replaces isoleucine, which is neutral and non-polar, with threonine, which is neutral and polar, at codon 118 of the HSD17B4 protein (p.Ile118Thr). This variant is present in population databases (rs139427751, gnomAD 0.01%). This variant has not been reported in the literature in individuals affected with HSD17B4-related conditions. Advanced modeling of protein sequence and biophysical properties (such as structural, functional, and spatial information, amino acid conservation, physicochemical variation, residue mobility, and thermodynamic stability) performed at Invitae indicates that this missense variant is not expected to disrupt HSD17B4 protein function. In summary, the available evidence is currently insufficient to determine the role of this variant in disease. Therefore, it has been classified as a Variant of Uncertain Significance.